The following is an entry in ClinVar:

NM_001429.4(EP300):c.3810C>T (p.Phe1270=)

Gene: EP300 (EP300 lysine acetyltransferase; plus strand). Cytogenetic location: 22q13.2.
Variant type: single nucleotide variant.
Coding change: c.3810C>T on transcript NM_001429.4 (MANE Select); coding-DNA position 3810, C replaced by T.
Protein change: p.Phe1270=; no amino-acid change (phenylalanine 1270 retained).
Molecular consequence: synonymous variant.
Genome position (GRCh38, 1-based): chr22:41,166,602, C>T. VCF-style: chr22-41166602-C-T. GRCh37 (hg19) VCF-style: chr22-41562606-C-T.
Other names: c.3732C>T, p.Phe1244= (NM_001362843.2).
Identifiers: ClinVar variation 1979198 (VCV001979198.23), dbSNP rs760116084, ClinGen allele CA10253265.

ClinVar aggregate classification (germline): Likely benign. Review status: criteria provided, multiple submitters, no conflicts (2 of 4 stars). 2 submissions from 2 submitters: Likely benign (2). Last evaluated 2024-05-01.

Conditions:
Rubinstein-Taybi syndrome due to EP300 haploinsufficiency. Also called: EP300-Related Rubinstein-Taybi Syndrome; RUBINSTEIN-TAYBI SYNDROME 2. Identifiers: Orphanet 353284, Orphanet 783, MedGen C3150941, MONDO:0013364, OMIM 613684.

Allele frequency attached by ClinVar (database versions not stated): ExAC 0.00001; TOPMed 0.00001.
gnomAD v4.1: 7 of 1,612,412 alleles (0.00043%); highest among the groups gnomAD compares: South Asian, 0.0011%; no homozygotes.

Submissions (2):

CeGaT Center for Human Genetics Tuebingen
Classification: Likely benign. Last evaluated: 2024-05-01. Review status: criteria provided, single submitter. Criteria: CeGaT Center For Human Genetics Tuebingen Variant Classification Criteria Version 2. Collection method: clinical testing. Allele origin: germline. Affected: yes. Observed: 1 variant allele.
Comment: EP300: BP4, BP7

Labcorp Genetics (formerly Invitae), Labcorp
Classification: Likely benign for Rubinstein-Taybi syndrome due to EP300 haploinsufficiency. Last evaluated: 2022-09-06. Review status: criteria provided, single submitter. Criteria: Invitae Variant Classification Sherloc (09022015). Collection method: clinical testing. Allele origin: germline.